The following is an entry in ClinVar:

NM_001367561.1(DOCK7):c.4624T>A (p.Leu1542Ile)

Gene: DOCK7 (dedicator of cytokinesis 7; minus strand). Cytogenetic location: 1p31.3.
Variant type: single nucleotide variant.
Coding change: c.4624T>A on transcript NM_001367561.1 (MANE Select); coding-DNA position 4624, T replaced by A.
Protein change: p.Leu1542Ile; replaces leucine 1542 with isoleucine.
Molecular consequence: missense variant.
Genome position (GRCh38, 1-based): chr1:62,504,770, A>T on the plus strand (T>A on the coding strand, the complement: DOCK7 is on the minus strand). VCF-style: chr1-62504770-A-T. GRCh37 (hg19) VCF-style: chr1-62970441-A-T.
Other names: c.4597T>A, p.Leu1533Ile (NM_001271999.2, NM_001330614.2); c.4504T>A, p.Leu1502Ile (NM_001272000.2, NM_001272001.2); c.4531T>A, p.Leu1511Ile (NM_033407.4); short protein forms L1502I, L1511I, L1542I, L1533I.
Identifiers: ClinVar variation 839617 (VCV000839617.8), dbSNP rs761196561, ClinGen allele CA885645.

ClinVar aggregate classification (germline): Uncertain significance (1 of 4 stars; one submission).

Conditions:
Developmental and epileptic encephalopathy, 23 (DEE23). Also called: Epileptic encephalopathy, early infantile, 23. Identifiers: Orphanet 411986, MedGen C4014492, MONDO:0014371, OMIM 615859.

Allele frequency attached by ClinVar (database versions not stated): gnomAD exomes below 0.00001; ExAC 0.00001.
gnomAD v4.1: 1 of 1,611,406 alleles (0.000062%); highest among the groups gnomAD compares: Admixed American, 0.0017%; no homozygotes.

Submission:

Labcorp Genetics (formerly Invitae), Labcorp
Classification: Uncertain significance for Developmental and epileptic encephalopathy, 23. Last evaluated: 2026-01-12. Review status: criteria provided, single submitter. Criteria: Invitae Variant Classification Sherloc (09022015). Collection method: clinical testing. Allele origin: germline.
Comment: This sequence change replaces leucine, which is neutral and non-polar, with isoleucine, which is neutral and non-polar, at codon 1533 of the DOCK7 protein (p.Leu1533Ile). This variant is present in population databases (rs761196561, gnomAD 0.003%). This variant has not been reported in the literature in individuals affected with DOCK7-related conditions. ClinVar contains an entry for this variant (Variation ID: 839617). Invitae Evidence Modeling of protein sequence and biophysical properties (such as structural, functional, and spatial information, amino acid conservation, physicochemical variation, residue mobility, and thermodynamic stability) indicates that this missense variant is not expected to disrupt DOCK7 protein function with a negative predictive value of 80%. In summary, the available evidence is currently insufficient to determine the role of this variant in disease. Therefore, it has been classified as a Variant of Uncertain Significance.